The following is an entry in ClinVar:

NM_001042492.3(NF1):c.655-2A>C

Gene: NF1 (neurofibromin 1; plus strand). Cytogenetic location: 17q11.2.
Variant type: single nucleotide variant.
Coding change: c.655-2A>C on transcript NM_001042492.3 (MANE Select); the canonical splice acceptor site of the intron before coding-DNA position 655, A replaced by C.
Molecular consequence: splice acceptor variant.
Genome position (GRCh38, 1-based): chr17:31,181,708, A>C. VCF-style: chr17-31181708-A-C. GRCh37 (hg19) VCF-style: chr17-29508726-A-C.
Other names: c.655-2A>C (NM_000267.4, NM_001128147.3).
Identifiers: ClinVar variation 547569 (VCV000547569.6), dbSNP rs1555608734, ClinGen allele CA398989592.
Genomic context (GRCh38, chr17:31,181,708, plus strand): 5'-TGACATTTTATTTACTGTATTACAAAAAATCACTGTAAAGACATGTGGTTCTTTATTTAT[A>C]GGCATTTTGGAACTGGGTAGAAAATTATCCAGATGAATTTACAAAACTGTACCAGATCCC-3'

ClinVar aggregate classification (germline): Pathogenic/Likely pathogenic. Review status: criteria provided, multiple submitters, no conflicts (2 of 4 stars). 5 submissions from 5 submitters: Pathogenic (3); Likely pathogenic (2). Last evaluated 2025-06-10.

Conditions:
Hereditary cancer-predisposing syndrome. Also called: Neoplastic Syndromes, Hereditary; Hereditary neoplastic syndrome; Tumor predisposition; Hereditary Cancer Syndrome. Identifiers: Orphanet 140162, MedGen C0027672, MeSH D009386, MONDO:0015356.
Cardiovascular phenotype. Identifiers: MedGen CN230736.
Neurofibromatosis, type 1 (NF1). Also called: NEUROFIBROMATOSIS, TYPE I, SOMATIC; VON RECKLINGHAUSEN DISEASE; Peripheral type neurofibromatosis; Neurofibromatosis, type I. Identifiers: Orphanet 636, MedGen C0027831, MONDO:0018975, OMIM 162200. Disease mechanism: loss of function.

Submissions (5):

Ambry Genetics
Classification: Likely pathogenic for Cardiovascular phenotype; Hereditary cancer-predisposing syndrome. Last evaluated: 2025-06-10. Review status: criteria provided, single submitter. Criteria: Ambry Variant Classification Scheme 2023. Collection method: clinical testing. Allele origin: germline.
Comment: The c.655-2A>C intronic variant results from an A to C substitution two nucleotides upstream from coding exon 7 in the NF1 gene. This variant was reported in individual(s) with features consistent with NF1 (Ambry internal data). This variant is considered to be rare based on population cohorts in the Genome Aggregation Database (gnomAD). This nucleotide position is highly conserved in available vertebrate species. In silico splice site analysis predicts that this alteration will weaken the native splice acceptor site. Alterations that disrupt the canonical splice site are expected to cause aberrant splicing, resulting in an abnormal protein or a transcript that is subject to nonsense-mediated mRNA decay. As such, this alteration is classified as likely pathogenic.

Genome-Nilou Lab
Classification: Pathogenic for Neurofibromatosis, type 1. Last evaluated: 2022-03-15. Review status: criteria provided, single submitter. Criteria: ACMG Guidelines, 2015. Collection method: clinical testing. Allele origin: germline. Affected: no.

Genome Diagnostics Laboratory, The Hospital for Sick Children
Classification: Pathogenic for Neurofibromatosis, type 1. Last evaluated: 2020-10-26. Review status: criteria provided, single submitter. Criteria: ACMG Guidelines, 2015. Collection method: clinical testing. Allele origin: germline. Affected: yes.

Labcorp Genetics (formerly Invitae), Labcorp
Classification: Pathogenic for Neurofibromatosis, type 1. Last evaluated: 2018-02-28. Review status: criteria provided, single submitter. Criteria: Invitae Variant Classification Sherloc (09022015). Collection method: clinical testing. Allele origin: germline.
Comment: This sequence change affects an acceptor splice site in intron 6 of the NF1 gene. It is expected to disrupt RNA splicing and likely results in an absent or disrupted protein product. This variant is not present in population databases (ExAC no frequency). This variant has not been reported in the literature in individuals with NF1-related disease. Different variants affecting this nucleotide (c.655-2A>T and c.655-2A>G) have been reported in individuals affected with neurofibromatosis type 1 and determined to be pathogenic (PMID: 10712197, 27074763). This suggests that this nucleotide is important for normal RNA splicing, and that other variants at this position may also be pathogenic. Donor and acceptor splice site variants typically lead to a loss of protein function (PMID: 16199547), and loss-of-function variants in NF1 are known to be pathogenic (PMID: 10712197, 23913538). For these reasons, this variant has been classified as Pathogenic.

Center for Human Genetics, Inc
Classification: Likely pathogenic for Neurofibromatosis, type 1. Last evaluated: 2016-11-01. Review status: criteria provided, single submitter. Criteria: ACMG Guidelines, 2015. Collection method: clinical testing. Allele origin: germline. Affected: yes.

Literature cited by the submitters: PubMed 27074763 (cited by Labcorp Genetics (formerly Invitae), Labcorp); PubMed 10712197 (cited by Labcorp Genetics (formerly Invitae), Labcorp); PubMed 23913538 (cited by Labcorp Genetics (formerly Invitae), Labcorp).